The following is an entry in ClinVar:

ClinVar aggregate classification (germline): Uncertain significance (1 of 4 stars; one submission).

Conditions:
Chédiak-Higashi syndrome (CHS). Also called: Chediak-Higashi Syndrome. Identifiers: Orphanet 167, MedGen C0007965, MONDO:0008963, OMIM 214500.

Submission:

Labcorp Genetics (formerly Invitae), Labcorp
Classification: Uncertain significance for Chédiak-Higashi syndrome. Last evaluated: 2024-03-15. Review status: criteria provided, single submitter. Criteria: Invitae Variant Classification Sherloc (09022015). Collection method: clinical testing. Allele origin: germline.
Comment: This sequence change replaces cysteine, which is neutral and slightly polar, with arginine, which is basic and polar, at codon 585 of the LYST protein (p.Cys585Arg). This variant is not present in population databases (gnomAD no frequency). This variant has not been reported in the literature in individuals affected with LYST-related conditions. Advanced modeling of protein sequence and biophysical properties (such as structural, functional, and spatial information, amino acid conservation, physicochemical variation, residue mobility, and thermodynamic stability) performed at Invitae indicates that this missense variant is expected to disrupt LYST protein function with a positive predictive value of 80%. In summary, the available evidence is currently insufficient to determine the role of this variant in disease. Therefore, it has been classified as a Variant of Uncertain Significance.

NM_000081.4(LYST):c.1753T>C (p.Cys585Arg)

Gene: LYST (lysosomal trafficking regulator; minus strand). Cytogenetic location: 1q42.3.
Variant type: single nucleotide variant.
Coding change: c.1753T>C on transcript NM_000081.4 (MANE Select); coding-DNA position 1753, T replaced by C.
Protein change: p.Cys585Arg; replaces cysteine 585 with arginine.
Molecular consequence: missense variant.
Genome position (GRCh38, 1-based): chr1:235,809,065, A>G on the plus strand (T>C on the coding strand, the complement: LYST is on the minus strand). VCF-style: chr1-235809065-A-G. GRCh37 (hg19) VCF-style: chr1-235972365-A-G.
Other names: c.1753T>C, p.Cys585Arg (NM_001301365.1); short protein forms C585R.
Identifiers: ClinVar variation 3678680 (VCV003678680.2).
Genomic context (GRCh38, chr1:235,809,065, plus strand): 5'-TCAGTGCTGGCAATTTAAAAGCATGGAGCAAAGGAATGATTACAGATTTGGGATCCATAC[A>G]ACAGCATATTCCAATGTTATGAACACCCGATAGGATCTGGACACAAGTGCTGCTCAAGGA-3'
Protein context (NP_000072.2, residues 575-595): SGVHNIGICC[Cys585Arg]MDPKSVIIPL